The following is an entry in ClinVar:

NM_005591.4(MRE11):c.1280dup (p.Leu427fs)

Gene: MRE11 (MRE11 double strand break repair nuclease; minus strand). Cytogenetic location: 11q21.
Variant type: Duplication.
Coding change: c.1280dup on transcript NM_005591.4 (MANE Select); coding-DNA position 1280, one base duplicated (T; older notation c.1280dupT).
Protein change: p.Leu427fs; shifts the reading frame from leucine 427.
Molecular consequence: frameshift variant.
Genome position (GRCh38, 1-based): chr11:94,460,982, A duplicated on the plus strand (T on the coding strand, the reverse complement: MRE11 is on the minus strand); the first of 3 consecutive A bases (chr11:94,460,982-94,460,984); duplicating any one gives the same sequence. VCF-style (leftmost placement, unchanged base first): chr11-94460981-T-TA. GRCh37 (hg19) VCF-style: chr11-94194147-T-TA.
Other names: c.1280dup, p.Leu427fs (NM_001330347.2, NM_005590.4); short protein forms L427fs.
Identifiers: ClinVar variation 1073861 (VCV001073861.9), dbSNP rs2134999988, ClinGen allele CA2499221368.

ClinVar aggregate classification (germline): Pathogenic/Likely pathogenic. Review status: criteria provided, multiple submitters, no conflicts (2 of 4 stars). 3 submissions from 3 submitters: Pathogenic (1); Likely pathogenic (2). Last evaluated 2024-01-16.

Conditions:
Ataxia-telangiectasia-like disorder (ATLD). Identifiers: MedGen C1858391, MONDO:0011457.
Ataxia-telangiectasia-like disorder 1 (ATLD1). Identifiers: Orphanet 251347, MedGen C4012790, MONDO:0024557, OMIM 604391.

Submissions (3):

Fulgent Genetics
Classification: Likely pathogenic for Ataxia-telangiectasia-like disorder 1. Last evaluated: 2024-01-16. Review status: criteria provided, single submitter. Criteria: ACMG Guidelines, 2015. Collection method: clinical testing. Allele origin: germline.

Baylor Genetics
Classification: Likely pathogenic for Ataxia-telangiectasia-like disorder 1. Last evaluated: 2023-12-06. Review status: criteria provided, single submitter. Criteria: ACMG Guidelines, 2015. Collection method: clinical testing. Allele origin: unknown.

Labcorp Genetics (formerly Invitae), Labcorp
Classification: Pathogenic for Ataxia-telangiectasia-like disorder. Last evaluated: 2020-10-27. Review status: criteria provided, single submitter. Criteria: Invitae Variant Classification Sherloc (09022015). Collection method: clinical testing. Allele origin: germline.
Comment: This sequence change creates a premature translational stop signal (p.Leu427Phefs*30) in the MRE11 gene. It is expected to result in an absent or disrupted protein product. Loss-of-function variants in MRE11 are known to be pathogenic (PMID: 23080121, 23912341). For these reasons, this variant has been classified as Pathogenic. This variant has not been reported in the literature in individuals with MRE11-related conditions. This variant is not present in population databases (ExAC no frequency).

Literature cited by the submitters: PubMed 23080121 (cited by Labcorp Genetics (formerly Invitae), Labcorp); PubMed 23912341 (cited by Labcorp Genetics (formerly Invitae), Labcorp).